The following is an entry in ClinVar:

NM_000263.4(NAGLU):c.1429A>C (p.Ser477Arg)

Gene: NAGLU (N-acetyl-alpha-glucosaminidase; plus strand). Cytogenetic location: 17q21.2.
Variant type: single nucleotide variant.
Coding change: c.1429A>C on transcript NM_000263.4 (MANE Select); coding-DNA position 1429, A replaced by C.
Protein change: p.Ser477Arg; replaces serine 477 with arginine.
Molecular consequence: missense variant.
Genome position (GRCh38, 1-based): chr17:42,543,435, A>C. VCF-style: chr17-42543435-A-C. GRCh37 (hg19) VCF-style: chr17-40695453-A-C.
Other names: short protein forms S477R.
Identifiers: ClinVar variation 3760687 (VCV003760687.2).

ClinVar aggregate classification (germline): Uncertain significance (1 of 4 stars; one submission).

Conditions:
Charcot-Marie-Tooth disease axonal type 2V. Also called: CHARCOT-MARIE-TOOTH NEUROPATHY, TYPE 2V; CHARCOT-MARIE-TOOTH DISEASE, AXONAL, AUTOSOMAL DOMINANT, TYPE 2V. Identifiers: Orphanet 447964, MedGen C5569050, MONDO:0014665, OMIM 616491.
Mucopolysaccharidosis, MPS-III-B (MPS3B). Also called: N-ACETYL-ALPHA-D-GLUCOSAMINIDASE DEFICIENCY; NAGLU DEFICIENCY; SANFILIPPO SYNDROME B; MPS III B; Mucopolysaccharidosis type IIIB (Sanfilippo B); MUCOPOLYSACCHARIDOSIS, TYPE IIIB. Identifiers: Orphanet 79270, MedGen C0086648, MONDO:0009656, OMIM 252920.

gnomAD v4.1: 1 of 1,600,088 alleles (0.000062%); highest among the groups gnomAD compares: Non-Finnish European, 0.000085%; no homozygotes.

Submission:

Labcorp Genetics (formerly Invitae), Labcorp
Classification: Uncertain significance for Charcot-Marie-Tooth disease axonal type 2V; Mucopolysaccharidosis, MPS-III-B. Last evaluated: 2024-10-11. Review status: criteria provided, single submitter. Criteria: Invitae Variant Classification Sherloc (09022015). Collection method: clinical testing. Allele origin: germline.
Comment: This sequence change replaces serine, which is neutral and polar, with arginine, which is basic and polar, at codon 477 of the NAGLU protein (p.Ser477Arg). This variant is not present in population databases (gnomAD no frequency). This variant has not been reported in the literature in individuals affected with NAGLU-related conditions. Invitae Evidence Modeling of protein sequence and biophysical properties (such as structural, functional, and spatial information, amino acid conservation, physicochemical variation, residue mobility, and thermodynamic stability) indicates that this missense variant is not expected to disrupt NAGLU protein function with a negative predictive value of 95%. In summary, the available evidence is currently insufficient to determine the role of this variant in disease. Therefore, it has been classified as a Variant of Uncertain Significance.